The following is an entry in ClinVar:

Conditions:
Breast-ovarian cancer, familial, susceptibility to, 1 (BROVCA1). Also called: BRCA1 Hereditary Breast and Ovarian Cancer; OVARIAN CANCER, SUSCEPTIBILITY TO. Identifiers: Orphanet 145, MedGen C2676676, MONDO:0011450, OMIM 604370. Disease mechanism: loss of function.

Submission:

Brotman Baty Institute, University of Washington
No classification provided (evidence only). Condition: Breast-ovarian cancer, familial 1. Review status: no classification provided. Collection method: in vitro. Allele origin: not applicable. Functional consequence: functionally_normal.
ClinVar note: "not provided" was previously submitted as the classification for the variant. However, the classification appeared to be based only on an observation of functional data so it was converted to no classification on 2025-07-30.

NM_007294.4(BRCA1):c.5350G>T (p.Val1784Leu)

Gene: BRCA1 (BRCA1 DNA repair associated; minus strand). Cytogenetic location: 17q21.31.
Variant type: single nucleotide variant.
Coding change: c.5350G>T on transcript NM_007294.4 (MANE Select); coding-DNA position 5350, G replaced by T.
Protein change: p.Val1784Leu; replaces valine 1784 with leucine.
Molecular consequence: missense variant. On other transcripts: non-coding transcript variant (1), intron variant (1).
Genome position (GRCh38, 1-based): chr17:43,049,177, C>A on the plus strand (G>T on the coding strand, the complement: BRCA1 is on the minus strand). VCF-style: chr17-43049177-C-A. GRCh37 (hg19) VCF-style: chr17-41201194-C-A.
Other names: c.5086G>T, p.Val1696Leu (NM_001407921.1, NM_001407922.1, NM_001407923.1 and 4 more transcripts); c.5083G>T, p.Val1695Leu (NM_001407927.1, NM_001407928.1, NM_001407929.1 and 4 more transcripts); c.5017G>T, p.Val1673Leu (NM_001407949.1, NM_001407946.1, NM_001407947.1 and 1 more transcripts); c.5014G>T, p.Val1672Leu (NM_001407950.1, NM_001407951.1, NM_001407952.1 and 3 more transcripts); c.5011G>T, p.Val1671Leu (NM_001407956.1, NM_001407957.1, NM_001407958.1); c.2743G>T, p.Val915Leu (NM_001407969.1); c.2107G>T, p.Val703Leu (NM_001407970.1, NM_001407971.1); c.2104G>T, p.Val702Leu (NM_001407972.1); and 73 more; short protein forms V1805L, V680L, V1784L, V1737L, V1487L, V1488L, V1694L, V1714L.
Identifiers: ClinVar variation 868025 (VCV000868025.3), dbSNP rs1060502328, ClinGen allele CA10590761.